The following is an entry in ClinVar:

NM_001128178.3(NPHP1):c.153G>A (p.Gln51=)

Gene: NPHP1 (nephrocystin 1; minus strand). Cytogenetic location: 2q13.
Variant type: single nucleotide variant.
Coding change: c.153G>A on transcript NM_001128178.3 (MANE Select); coding-DNA position 153, G replaced by A.
Protein change: p.Gln51=; no amino-acid change (glutamine 51 retained).
Molecular consequence: synonymous variant. On other transcripts: intron variant (1).
Genome position (GRCh38, 1-based): chr2:110,179,675, C>T on the plus strand (G>A on the coding strand, the complement: NPHP1 is on the minus strand). VCF-style: chr2-110179675-C-T. GRCh37 (hg19) VCF-style: chr2-110937252-C-T.
Other names: c.153G>A, p.Gln51= (NM_000272.5, NM_001374256.1, NM_001374257.1 and 1 more transcripts); c.144-9677G>A (NM_001128179.3).
Identifiers: ClinVar variation 4995453 (VCV004995453.1).

ClinVar aggregate classification (germline): Likely benign (1 of 4 stars; one submission).

Conditions:
NPHP1-related disorder. Also called: NPHP1-related disorders; NPHP1-related condition.

Submission:

PreventionGenetics, part of Exact Sciences
Classification: Likely benign for NPHP1-related condition. Last evaluated: 2026-07-24. Review status: criteria provided, single submitter. Criteria: ACMG Guidelines, 2015. Collection method: clinical testing. Allele origin: germline.
Comment: This variant is classified as likely benign based on ACMG/AMP sequence variant interpretation guidelines (Richards et al. 2015 PMID: 25741868, with internal and published modifications).